The following is an entry in ClinVar:

NM_177438.3(DICER1):c.1752+1del

Gene: DICER1 (dicer 1, ribonuclease III; minus strand). Cytogenetic location: 14q32.13.
Variant type: Deletion.
Coding change: c.1752+1del on transcript NM_177438.3 (MANE Select); the canonical splice donor site of the intron after coding-DNA position 1752, one base deleted (G; older notation c.1752+1delG).
Molecular consequence: splice donor variant.
Genome position (GRCh38, 1-based): chr14:95,116,452, C deleted on the plus strand (G on the coding strand, the reverse complement: DICER1 is on the minus strand); the first of 2 consecutive C bases (chr14:95,116,452-95,116,453); deleting either gives the same sequence. VCF-style (leftmost placement, unchanged base first): chr14-95116451-AC-A. GRCh37 (hg19) VCF-style: chr14-95582788-AC-A.
Other names: 5' splice site, intron10; c.1752+1delG (NM_177438.2); c.1752+1del (NM_001395695.1, NM_001395692.1, NM_001395684.1 and 12 more transcripts); c.1347+1del (NM_001395698.1, NM_001395688.1, NM_001395696.1 and 3 more transcripts); c.1185+1del (NM_001395691.1); c.69+1del (NM_001395697.1); c.1470+1del (NM_001395686.1).
Identifiers: ClinVar variation 254294 (VCV000254294.7), dbSNP rs886037677, ClinGen allele CA10586452.

ClinVar aggregate classification (germline): Pathogenic. Review status: criteria provided, multiple submitters, no conflicts (2 of 4 stars). 3 submissions from 3 submitters: Pathogenic (3). Last evaluated 2025-12-21.

Conditions:
DICER1-related tumor predisposition. Also called: DICER1 syndrome; DICER1-related pleuropulmonary blastoma cancer predisposition syndrome. Identifiers: Orphanet 284343, MedGen C3839822, MONDO:0100216.

Submissions (3):

Labcorp Genetics (formerly Invitae), Labcorp
Classification: Pathogenic for DICER1-related tumor predisposition. Last evaluated: 2025-12-21. Review status: criteria provided, single submitter. Criteria: Invitae Variant Classification Sherloc (09022015). Collection method: clinical testing. Allele origin: germline.
Comment: This sequence change creates a premature translational stop signal (p.Ile585Serfs*2) in the DICER1 gene. It is expected to result in an absent or disrupted protein product. Loss-of-function variants in DICER1 are known to be pathogenic (PMID: 19556464, 21266384). This variant is not present in population databases (gnomAD no frequency). This premature translational stop signal has been observed in individual(s) with pleuropulmonary blastoma (PMID: 26925222). This variant is also known as c.1752+1del. ClinVar contains an entry for this variant (Variation ID: 254294). RNA analysis performed to evaluate the impact of this premature translational stop signal on mRNA splicing indicates it does not significantly alter splicing (internal data). For these reasons, this variant has been classified as Pathogenic.

Foulkes Cancer Genetics LDI, Lady Davis Institute for Medical Research
Classification: Pathogenic for Pleuropulmonary blastoma. Last evaluated: 2019-07-01. Review status: criteria provided, single submitter. Criteria: ACMG Guidelines, 2015. Collection method: curation. Allele origin: germline. Affected: yes. Observed: 1 variant allele.
Comment: ACMG criteria met: PVS1, PM2, PP4

International Pleuropulmonary Blastoma Registry, Children's Hospitals and Clinics of Minnesota
Classification: Pathogenic for Pleuropulmonary blastoma. Last evaluated: 2014-11-10. Review status: criteria provided, single submitter. Criteria: Hill et al. (Science. 2009). Collection method: clinical testing. Allele origin: germline. Affected: yes. Study: PPB-DICER1 Genetic study.

Literature cited by the submitters: PubMed 19556464 (cited by Labcorp Genetics (formerly Invitae), Labcorp); PubMed 21266384 (cited by Labcorp Genetics (formerly Invitae), Labcorp); PubMed 26925222 (cited by 3 submitters).